The following is an entry in ClinVar:

ClinVar aggregate classification (germline): Benign. Review status: criteria provided, multiple submitters, no conflicts (2 of 4 stars). 2 submissions from 2 submitters: Benign (2). Last evaluated 2018-06-14.

Allele frequency attached by ClinVar (database versions not stated): 1000 Genomes Project 0.02057; 1000 Genomes Project 30x 0.02280; TOPMed 0.04194; gnomAD 0.04299 and 0.04445; gnomAD exomes 0.04923.
gnomAD v4.1: 24,900 of 526,010 alleles (4.7%); highest among the groups gnomAD compares: Non-Finnish European, 6.5%; 788 homozygotes.

Submissions (2):

GeneDx
Classification: Benign. Last evaluated: 2018-06-14. Review status: criteria provided, single submitter. Criteria: GeneDx Variant Classification (06012015). Collection method: clinical testing. Allele origin: germline. Affected: yes.
Comment: This variant is considered likely benign or benign based on one or more of the following criteria: it is a conservative change, it occurs at a poorly conserved position in the protein, it is predicted to be benign by multiple in silico algorithms, and/or has population frequency not consistent with disease.

Breakthrough Genomics
Classification: Benign. Review status: criteria provided, single submitter. Criteria: ACMG Guidelines, 2015. Collection method: not provided. Allele origin: germline. Inheritance: Autosomal recessive inheritance. Affected: yes.

NM_000089.4(COL1A2):c.2403+186T>C

Gene: COL1A2 (collagen type I alpha 2 chain; plus strand). Cytogenetic location: 7q21.3.
Variant type: single nucleotide variant.
Coding change: c.2403+186T>C on transcript NM_000089.4 (MANE Select); 186 bases into the intron after coding-DNA position 2403, T replaced by C.
Molecular consequence: intron variant.
Genome position (GRCh38, 1-based): chr7:94,422,138, T>C. VCF-style: chr7-94422138-T-C. GRCh37 (hg19) VCF-style: chr7-94051450-T-C.
Identifiers: ClinVar variation 678459 (VCV000678459.2), dbSNP rs2472, ClinGen allele CA12701871.